The following is an entry in ClinVar:

NM_000535.7(PMS2):c.232G>T (p.Glu78Ter)

Gene: PMS2 (PMS1 homolog 2, mismatch repair system component; minus strand). Cytogenetic location: 7p22.1.
Variant type: single nucleotide variant.
Coding change: c.232G>T on transcript NM_000535.7 (MANE Select); coding-DNA position 232, G replaced by T.
Protein change: p.Glu78Ter; replaces glutamic acid 78 with a stop codon.
Molecular consequence: nonsense. On other transcripts: 5 prime UTR variant (9), missense variant (7), non-coding transcript variant (1).
Genome position (GRCh38, 1-based): chr7:6,003,990, C>A on the plus strand (G>T on the coding strand, the complement: PMS2 is on the minus strand). VCF-style: chr7-6003990-C-A. GRCh37 (hg19) VCF-style: chr7-6043621-C-A.
Other names: c.-174G>T (NM_001018040.1, NM_001322003.2, NM_001322004.2 and 14 more transcripts); c.232G>T, p.Glu78Ter (NM_001322006.2, NM_001322014.2, NM_001406868.1 and 10 more transcripts); c.17G>T, p.Arg6Ile (NM_001322007.2, NM_001322008.2, NM_001406876.1 and 4 more transcripts); c.-653G>T (NM_001322011.2, NM_001322012.2); c.-253G>T (NM_001322015.2, NM_001406875.1, NM_001406877.1 and 3 more transcripts); c.418G>T, p.Glu140Ter (NM_001406866.1); c.-200G>T (NM_001406880.1); c.-150G>T (NM_001406881.1, NM_001406900.1); and 2 more; short protein forms E78*, E140*, R6I.
Identifiers: ClinVar variation 1789707 (VCV001789707.4), dbSNP rs1785414812, ClinGen allele CA366744787.

ClinVar aggregate classification (germline): Pathogenic. Review status: criteria provided, multiple submitters, no conflicts (2 of 4 stars). 2 submissions from 2 submitters: Pathogenic (2). Last evaluated 2024-09-03.

Conditions:
Hereditary cancer-predisposing syndrome. Also called: Hereditary Cancer Syndrome; Hereditary neoplastic syndrome; Tumor predisposition; Neoplastic Syndromes, Hereditary. Identifiers: Orphanet 140162, MedGen C0027672, MeSH D009386, MONDO:0015356.
Lynch syndrome 4 (LYNCH4). Also called: Colorectal cancer, hereditary nonpolyposis, type 4; Hereditary non-polyposis colorectal cancer, type 4. Identifiers: Orphanet 144, MedGen C1838333, MONDO:0013699, OMIM 614337. Disease mechanism: loss of function.

Submissions (2):

Ambry Genetics
Classification: Pathogenic for Hereditary cancer-predisposing syndrome. Last evaluated: 2024-09-03. Review status: criteria provided, single submitter. Criteria: Ambry Variant Classification Scheme 2023. Collection method: clinical testing. Allele origin: germline.
Comment: The p.E78* pathogenic mutation (also known as c.232G>T), located in coding exon 3 of the PMS2 gene, results from a G to T substitution at nucleotide position 232. This changes the amino acid from a glutamic acid to a stop codon within coding exon 3. This variant is considered to be rare based on population cohorts in the Genome Aggregation Database (gnomAD). This alteration is expected to result in loss of function by premature protein truncation or nonsense-mediated mRNA decay. As such, this alteration is interpreted as a disease-causing mutation.

Myriad Genetics, Inc.
Classification: Pathogenic for Lynch syndrome 4. Last evaluated: 2023-09-18. Review status: criteria provided, single submitter. Criteria: Myriad Autosomal Dominant, Autosomal Recessive and X-Linked Classification Criteria (2023). Collection method: clinical testing. Allele origin: unknown.
Comment: This variant is considered pathogenic. This variant creates a termination codon and is predicted to result in premature protein truncation.